The following is an entry in ClinVar:

ClinVar aggregate classification (germline): Uncertain significance (1 of 4 stars; one submission).

Conditions:
Developmental and epileptic encephalopathy, 31A. Also called: Epileptic encephalopathy, early infantile, 31; Developmental and epileptic encephalopathy, 31. Identifiers: Orphanet 2382, MedGen C4225357, MONDO:0014598, OMIM 616346.

Submission:

Labcorp Genetics (formerly Invitae), Labcorp
Classification: Uncertain significance for Developmental and epileptic encephalopathy, 31A. Last evaluated: 2024-04-01. Review status: criteria provided, single submitter. Criteria: Invitae Variant Classification Sherloc (09022015). Collection method: clinical testing. Allele origin: germline.
Comment: This sequence change falls in intron 20 of the DNM1 gene. It does not directly change the encoded amino acid sequence of the DNM1 protein. It affects a nucleotide within the consensus splice site. This variant is not present in population databases (gnomAD no frequency). This variant has not been reported in the literature in individuals affected with DNM1-related conditions. Variants that disrupt the consensus splice site are a relatively common cause of aberrant splicing (PMID: 17576681, 9536098). Algorithms developed to predict the effect of sequence changes on RNA splicing suggest that this variant is not likely to affect RNA splicing. In summary, the available evidence is currently insufficient to determine the role of this variant in disease. Therefore, it has been classified as a Variant of Uncertain Significance.

Literature cited by the submitters: PubMed 17576681; PubMed 9536098.

NM_004408.4(DNM1):c.2318+3dup

Genes: DNM1 (dynamin 1; plus strand), LOC130002698 (ATAC-STARR-seq lymphoblastoid silent region 20332; plus strand). Cytogenetic location: 9q34.11.
Variant type: Duplication.
Coding change: c.2318+3dup on transcript NM_004408.4 (MANE Select); 3 bases into the intron after coding-DNA position 2318, one base duplicated (A; older notation c.2318+3dupA).
Molecular consequence: intron variant.
Genome position (GRCh38, 1-based): chr9:128,250,359, A duplicated. VCF-style (leftmost placement, unchanged base first): chr9-128250358-T-TA. GRCh37 (hg19) VCF-style: chr9-131012637-T-TA.
Other names: c.2318+3dup (NM_001005336.3, NM_001374269.1, NM_001288738.2 and 2 more transcripts).
Identifiers: ClinVar variation 3648303 (VCV003648303.2).